The following is an entry in ClinVar:

NM_006218.4(PIK3CA):c.29_53del (p.Leu10fs)

Gene: PIK3CA (phosphatidylinositol-4,5-bisphosphate 3-kinase catalytic subunit alpha; plus strand). Cytogenetic location: 3q26.32.
Variant type: Deletion.
Coding change: c.29_53del on transcript NM_006218.4 (MANE Select); coding-DNA positions 29 to 53, 25 bases deleted (TGTGGGGCATCCACTTGATGCCCCC).
Protein change: p.Leu10fs; shifts the reading frame from leucine 10.
Molecular consequence: frameshift variant.
Genome position (GRCh38, 1-based): chr3:179,198,854-179,198,878, TGTGGGGCATCCACTTGATGCCCCC deleted; deleting any 25 consecutive bases within chr3:179,198,853-179,198,878 gives the same sequence; the c. name uses the placement nearest the transcript's 3' end. VCF-style (leftmost placement, unchanged base first): chr3-179198852-ACTGTGGGGCATCCACTTGATGCCCC-A. GRCh37 (hg19) VCF-style: chr3-178916640-ACTGTGGGGCATCCACTTGATGCCCC-A.
Other names: c.29_53del (LRG_310t1); short protein forms L10fs.
Identifiers: ClinVar variation 569404 (VCV000569404.7), dbSNP rs1560137030, ClinGen allele CA891842912.

ClinVar aggregate classification (germline): Uncertain significance (1 of 4 stars; one submission).

Conditions:
Cowden syndrome (CS). Also called: Cowden's disease; Cowden's syndrome; Cowden disease. Identifiers: Orphanet 201, MedGen C0018553, MONDO:0016063. Disease mechanism: gain of function.

Submission:

Labcorp Genetics (formerly Invitae), Labcorp
Classification: Uncertain significance for Cowden syndrome. Last evaluated: 2018-05-22. Review status: criteria provided, single submitter. Criteria: Invitae Variant Classification Sherloc (09022015). Collection method: clinical testing. Allele origin: germline.
Comment: In summary, the available evidence is currently insufficient to determine the role of this variant in disease. Therefore, it has been classified as a Variant of Uncertain Significance. The current clinical and genetic evidence is not sufficient to establish whether loss-of-function variants in PIK3CA cause disease. This variant has not been reported in the literature in individuals with PIK3CA-related disease. This variant is not present in population databases (ExAC no frequency). This sequence change creates a premature translational stop signal (p.Leu10Glnfs*4) in the PIK3CA gene. It is expected to result in an absent or disrupted protein product.